The following is an entry in ClinVar:

ClinVar aggregate classification (germline): Uncertain significance (1 of 4 stars; one submission).

gnomAD v4.1: 4 of 1,612,032 alleles (0.00025%); highest among the groups gnomAD compares: Non-Finnish European, 0.00025%; no homozygotes.

Submission:

GeneDx
Classification: Uncertain significance. Last evaluated: 2021-06-30. Review status: criteria provided, single submitter. Criteria: GeneDx Variant Classification Process June 2021. Collection method: clinical testing. Allele origin: germline. Affected: yes.
Comment: Not observed at significant frequency in large population cohorts (Lek et al., 2016); In silico analysis supports that this missense variant does not alter protein structure/function; Has not been previously published as pathogenic or benign to our knowledge; This variant is associated with the following publications: (PMID: 27535533)

NM_014727.3(KMT2B):c.2093G>A (p.Arg698His)

Gene: KMT2B (lysine methyltransferase 2B; plus strand). Cytogenetic location: 19q13.12.
Variant type: single nucleotide variant.
Coding change: c.2093G>A on transcript NM_014727.3 (MANE Select); coding-DNA position 2093, G replaced by A.
Protein change: p.Arg698His; replaces arginine 698 with histidine.
Molecular consequence: missense variant.
Genome position (GRCh38, 1-based): chr19:35,721,440, G>A. VCF-style: chr19-35721440-G-A. GRCh37 (hg19) VCF-style: chr19-36212342-G-A.
Other names: short protein forms R698H.
Identifiers: ClinVar variation 1331221 (VCV001331221.2), dbSNP rs1172835308, ClinGen allele CA405396072.